The following is an entry in ClinVar:

ClinVar aggregate classification (germline): Uncertain significance (1 of 4 stars; one submission).

Conditions:
Hereditary cancer-predisposing syndrome. Also called: Neoplastic Syndromes, Hereditary; Tumor predisposition; Hereditary Cancer Syndrome; Hereditary neoplastic syndrome. Identifiers: Orphanet 140162, MedGen C0027672, MeSH D009386, MONDO:0015356.

Submission:

Ambry Genetics
Classification: Uncertain significance for Hereditary cancer-predisposing syndrome. Last evaluated: 2025-12-12. Review status: criteria provided, single submitter. Criteria: Ambry Variant Classification Scheme 2023. Collection method: clinical testing. Allele origin: germline.
Comment: The p.A193T variant (also known as c.577G>A), located in coding exon 5 of the APC gene, results from a G to A substitution at nucleotide position 577. The alanine at codon 193 is replaced by threonine, an amino acid with similar properties. This amino acid position is highly conserved in available vertebrate species. In addition, in silico predictors for this gene do not accurately predict pathogenicity. Missense variants in APC are not a common cause of disease (Spier I et al. Genet Med. 2024 Feb;26(2):100992). Based on the available evidence, the clinical significance of this variant remains unclear.

NM_000038.6(APC):c.577G>A (p.Ala193Thr)

Gene: APC (APC regulator of Wnt signaling pathway; plus strand). Cytogenetic location: 5q22.2.
Variant type: single nucleotide variant.
Coding change: c.577G>A on transcript NM_000038.6 (MANE Select); coding-DNA position 577, G replaced by A.
Protein change: p.Ala193Thr; replaces alanine 193 with threonine.
Molecular consequence: missense variant. On other transcripts: 5 prime UTR variant (4), non-coding transcript variant (2).
Genome position (GRCh38, 1-based): chr5:112,780,835, G>A. VCF-style: chr5-112780835-G-A. GRCh37 (hg19) VCF-style: chr5-112116532-G-A.
Other names: c.577G>A, p.Ala193Thr (NM_001127510.3, NM_001354895.2, NM_001354896.2 and 16 more transcripts); c.607G>A, p.Ala203Thr (NM_001127511.3, NM_001407446.1, NM_001354902.2 and 1 more transcripts); c.502G>A, p.Ala168Thr (NM_001407451.1, NM_001354904.2, NM_001354898.2); c.400G>A, p.Ala134Thr (NM_001354900.2, NM_001354905.2, NM_001407453.1 and 1 more transcripts); c.-459G>A (NM_001354906.2, NM_001407470.1, NM_001407471.1 and 1 more transcripts); short protein forms A203T, A134T, A193T, A168T.
Identifiers: ClinVar variation 4594227 (VCV004594227.1).